The following is an entry in ClinVar:

ClinVar aggregate classification (germline): Uncertain significance (1 of 4 stars; one submission).

Conditions:
Familial thoracic aortic aneurysm and aortic dissection (TAAD). Also called: Thoracic aortic aneurysms and dissections. Identifiers: Orphanet 91387, MedGen C4707243, MONDO:0019625.

gnomAD v4.1: 1 of 1,613,380 alleles (0.000062%); highest among the groups gnomAD compares: Non-Finnish European, 0.000085%; no homozygotes.

Submission:

Ambry Genetics
Classification: Uncertain significance for Familial thoracic aortic aneurysm and aortic dissection. Last evaluated: 2023-04-01. Review status: criteria provided, single submitter. Criteria: Ambry Variant Classification Scheme 2023. Collection method: clinical testing. Allele origin: germline.
Comment: The p.A2006T variant (also known as c.6016G>A), located in coding exon 32 of the NOTCH1 gene, results from a G to A substitution at nucleotide position 6016. The alanine at codon 2006 is replaced by threonine, an amino acid with similar properties. This amino acid position is conserved. In addition, the in silico prediction for this alteration is inconclusive. Since supporting evidence is limited at this time, the clinical significance of this alteration remains unclear.

NM_017617.5(NOTCH1):c.6016G>A (p.Ala2006Thr)

Genes: NOTCH1 (notch receptor 1; minus strand), LOC126860794 (BRD4-independent group 4 enhancer GRCh37_chr9:139392592-139393791; plus strand). Cytogenetic location: 9q34.3.
Variant type: single nucleotide variant.
Coding change: c.6016G>A on transcript NM_017617.5 (MANE Select); coding-DNA position 6016, G replaced by A.
Protein change: p.Ala2006Thr; replaces alanine 2006 with threonine.
Molecular consequence: missense variant.
Genome position (GRCh38, 1-based): chr9:136,499,178, C>T on the plus strand (G>A on the coding strand, the complement: NOTCH1 is on the minus strand). VCF-style: chr9-136499178-C-T. GRCh37 (hg19) VCF-style: chr9-139393630-C-T.
Other names: short protein forms A2006T.
Identifiers: ClinVar variation 2566642 (VCV002566642.2), dbSNP rs1842960512, ClinGen allele CA375634528.